The following is an entry in ClinVar:

ClinVar aggregate classification (germline): Likely pathogenic (1 of 4 stars; one submission).

Submission:

GeneDx
Classification: Likely pathogenic. Last evaluated: 2025-03-17. Review status: criteria provided, single submitter. Criteria: GeneDx Variant Classification Process June 2021. Collection method: clinical testing. Allele origin: germline. Affected: yes.
Comment: Nonsense variant predicted to result in protein truncation or nonsense mediated decay in a gene for which loss of function is a known mechanism of disease; Not observed at significant frequency in large population cohorts (gnomAD); Has not been previously published as pathogenic or benign to our knowledge

NM_005144.5(HR):c.2886C>G (p.Tyr962Ter)

Gene: HR (HR lysine demethylase and nuclear receptor corepressor; minus strand). Cytogenetic location: 8p21.3.
Variant type: single nucleotide variant.
Coding change: c.2886C>G on transcript NM_005144.5 (MANE Select); coding-DNA position 2886, C replaced by G.
Protein change: p.Tyr962Ter; replaces tyrosine 962 with a stop codon.
Molecular consequence: nonsense.
Genome position (GRCh38, 1-based): chr8:22,119,851, G>C on the plus strand (C>G on the coding strand, the complement: HR is on the minus strand). VCF-style: chr8-22119851-G-C. GRCh37 (hg19) VCF-style: chr8-21977364-G-C.
Other names: c.2886C>G, p.Tyr962Ter (NM_018411.4); short protein forms Y962*.
Identifiers: ClinVar variation 489115 (VCV000489115.3), dbSNP rs1554580532, ClinGen allele CA370517441.